The following is an entry in ClinVar:

NM_000180.4(GUCY2D):c.1933T>C (p.Ser645Pro)

Gene: GUCY2D (guanylate cyclase 2D, retinal; plus strand). Cytogenetic location: 17p13.1.
Variant type: single nucleotide variant.
Coding change: c.1933T>C on transcript NM_000180.4 (MANE Select); coding-DNA position 1933, T replaced by C.
Protein change: p.Ser645Pro; replaces serine 645 with proline.
Molecular consequence: missense variant.
Genome position (GRCh38, 1-based): chr17:8,012,327, T>C. VCF-style: chr17-8012327-T-C. GRCh37 (hg19) VCF-style: chr17-7915645-T-C.
Other names: short protein forms S645P.
Identifiers: ClinVar variation 3374892 (VCV003374892.1).
Genomic context (GRCh38, chr17:8,012,327, plus strand): 5'-GGCTCTCTTCAGGACCTCCTCGCTCAGAGAGAAATAAAGCTGGACTGGATGTTCAAGTCC[T>C]CCCTCCTGCTGGACCTTATCAAGGTGTGTGTCTGGGGGTGGTGGGGTGACGTCCTGGGGG-3'
Protein context (NP_000171.1, residues 635-655): EIKLDWMFKS[Ser645Pro]LLLDLIKGIR

ClinVar aggregate classification (germline): Uncertain significance (1 of 4 stars; one submission).

gnomAD v4.1: 1 of 1,609,930 alleles (0.000062%); highest among the groups gnomAD compares: Non-Finnish European, 0.000085%; no homozygotes.

Submission:

Women's Health and Genetics/Laboratory Corporation of America, LabCorp
Classification: Uncertain significance. Last evaluated: 2024-09-11. Review status: criteria provided, single submitter. Criteria: LabCorp Variant Classification Summary - May 2015. Collection method: clinical testing. Allele origin: germline.
Comment: Variant summary: GUCY2D c.1933T>C (p.Ser645Pro) results in a non-conservative amino acid change located in the Protein kinase domain (IPR000719) of the encoded protein sequence. Five of five in-silico tools predict a damaging effect of the variant on protein function. The variant was absent in 251044 control chromosomes. The available data on variant occurrences in the general population are insufficient to allow any conclusion about variant significance. c.1933T>C has been reported in the literature in at least one compound heterozygous individual affected with Leber Congenital Amaurosis (e.g. Wang_2013). This report does not provide unequivocal conclusions about association of the variant with Leber Congenital Amaurosis. To our knowledge, no experimental evidence demonstrating an impact on protein function has been reported. The following publication has been ascertained in the context of this evaluation (PMID: 23847139). No submitters have cited clinical-significance assessments for this variant to ClinVar. Based on the evidence outlined above, the variant was classified as uncertain significance.

Literature cited by the submitters: PubMed 23847139.